The following is an entry in ClinVar:

NM_002472.3(MYH8):c.5074T>C (p.Trp1692Arg)

Genes: MYH8 (myosin heavy chain 8; minus strand), MYHAS (myosin heavy chain gene cluster antisense RNA; plus strand). Cytogenetic location: 17p13.1.
Variant type: single nucleotide variant.
Coding change: c.5074T>C on transcript NM_002472.3 (MANE Select); coding-DNA position 5074, T replaced by C.
Protein change: p.Trp1692Arg; replaces tryptophan 1692 with arginine.
Molecular consequence: missense variant.
Genome position (GRCh38, 1-based): chr17:10,394,341, A>G on the plus strand (T>C on the coding strand, the complement: MYH8 is on the minus strand). VCF-style: chr17-10394341-A-G. GRCh37 (hg19) VCF-style: chr17-10297658-A-G.
Other names: short protein forms W1692R.
Identifiers: ClinVar variation 129678 (VCV000129678.18), dbSNP rs8069834, ClinGen allele CA153830.
Genomic context (GRCh38, chr17:10,394,341, plus strand): 5'-CATCCAGGAGCTCCTGTTCGGCGATTTTCCTGCTTCTCTCTGTCTGTTCCAGAGTGGCCC[A>G]CAGCTCCTCGATCTCAGCCTGCAGCAGGTTGGCTCTGCGCTCCACAATTGCCAGCTGTTC-3'
Protein context (NP_002463.2, residues 1682-1702): NLLQAEIEEL[Trp1692Arg]ATLEQTERSR

ClinVar aggregate classification (germline): Benign. Review status: criteria provided, multiple submitters, no conflicts (2 of 4 stars). 9 submissions from 9 submitters: Benign (7). 2 of the submissions do not count toward it. Last evaluated 2024-11-28.

Conditions:
Hecht syndrome (DA7). Also called: Dutch-Kentucky syndrome; MOUTH, INABILITY TO OPEN COMPLETELY, AND SHORT FINGER-FLEXOR TENDONS. Identifiers: Orphanet 3377, MedGen C0265226, MONDO:0008016, OMIM 158300. Disease mechanism: gain of function.

Allele frequency attached by ClinVar (database versions not stated): 1000 Genomes Project 0.48542; 1000 Genomes Project 30x 0.49204; gnomAD exomes 0.50046; ExAC 0.50958; TOPMed 0.59707; ESP Exome Variant Server 0.62973.
gnomAD v4.1: 906,992 of 1,613,742 alleles (56%); highest among the groups gnomAD compares: African/African-American, 73%; 263,923 homozygotes.

Submissions (9):

Blueprint Genetics
Classification: Benign. Last evaluated: 2024-11-28. Review status: criteria provided, single submitter. Criteria: ACMG Guidelines, 2015. Collection method: clinical testing. Allele origin: germline.

Genome-Nilou Lab
Classification: Benign for Hecht syndrome. Last evaluated: 2021-09-05. Review status: criteria provided, single submitter. Criteria: ACMG Guidelines, 2015. Collection method: clinical testing. Allele origin: germline. Affected: no.

GeneDx
Classification: Benign. Last evaluated: 2019-09-05. Review status: criteria provided, single submitter. Criteria: GeneDx Variant Classification Process June 2021. Collection method: clinical testing. Allele origin: germline. Affected: yes.

Illumina Laboratory Services, Illumina
Classification: Benign for Hecht syndrome. Last evaluated: 2018-01-12. Review status: criteria provided, single submitter. Criteria: ICSL Variant Classification Criteria 13 December 2019. Collection method: clinical testing. Allele origin: germline.
Comment: This variant was observed in the ICSL laboratory as part of a predisposition screen in an ostensibly healthy population. It had not been previously curated by ICSL or reported in the Human Gene Mutation Database (HGMD: prior to June 1st, 2018), and was therefore a candidate for classification through an automated scoring system. Utilizing variant allele frequency, disease prevalence and penetrance estimates, and inheritance mode, an automated score was calculated to assess if this variant is too frequent to cause the disease. Based on the score and internal cut-off values, a variant classified as benign is not then subjected to further curation. The score for this variant resulted in a classification of benign for this disease.

Genetic Services Laboratory, University of Chicago
Classification: Benign for AllHighlyPenetrant. Last evaluated: 2013-08-15. Review status: criteria provided, single submitter. Criteria: ACMG Guidelines, 2007. Collection method: clinical testing. Allele origin: germline. Inheritance: Autosomal dominant inheritance.

Breakthrough Genomics
Classification: Benign. Review status: criteria provided, single submitter. Criteria: ACMG Guidelines, 2015. Collection method: not provided. Allele origin: germline. Inheritance: Autosomal dominant inheritance. Affected: yes.

PreventionGenetics, part of Exact Sciences
Classification: Benign. Review status: criteria provided, single submitter. Criteria: ACMG Guidelines, 2015. Collection method: clinical testing. Allele origin: germline.

Clinical Genetics, Academic Medical Center
Classification: Benign. Review status: no assertion criteria provided. Collection method: clinical testing. Allele origin: germline. Affected: yes. Study: VKGL Data-share Consensus. Not counted in ClinVar's aggregate classification.

Diagnostic Laboratory, Department of Genetics, University Medical Center Groningen
Classification: Benign. Review status: no assertion criteria provided. Collection method: clinical testing. Allele origin: germline. Affected: yes. Study: VKGL Data-share Consensus. Not counted in ClinVar's aggregate classification.